The following is an entry in ClinVar:

ClinVar aggregate classification (germline): Benign/Likely benign. Review status: criteria provided, multiple submitters, no conflicts (2 of 4 stars). 4 submissions from 4 submitters: Benign (3); Likely benign (1). Last evaluated 2026-09-01.

Allele frequency attached by ClinVar (database versions not stated): gnomAD exomes 0.00071 and 0.00136; ExAC 0.00151; ESP Exome Variant Server 0.00346; gnomAD 0.00378 and 0.00398; TOPMed 0.00433; 1000 Genomes Project 0.00619; 1000 Genomes Project 30x 0.00781.

Submissions (4):

CeGaT Center for Human Genetics Tuebingen
Classification: Benign. Last evaluated: 2026-09-01. Review status: criteria provided, single submitter. Criteria: CeGaT Center For Human Genetics Tuebingen Variant Classification Criteria Version 2. Collection method: clinical testing. Allele origin: germline. Affected: yes. Observed: 6 variant alleles.
Comment: PTPN23: BP4, BS1, BS2

Labcorp Genetics (formerly Invitae), Labcorp
Classification: Benign. Last evaluated: 2026-02-02. Review status: criteria provided, single submitter. Criteria: Invitae Variant Classification Sherloc (09022015). Collection method: clinical testing. Allele origin: germline.

Blueprint Genetics
Classification: Likely benign. Last evaluated: 2024-11-22. Review status: criteria provided, single submitter. Criteria: ACMG Guidelines, 2015. Collection method: clinical testing. Allele origin: germline.

Breakthrough Genomics
Classification: Benign. Review status: criteria provided, single submitter. Criteria: ACMG Guidelines, 2015. Collection method: not provided. Allele origin: germline. Inheritance: Autosomal recessive inheritance. Affected: yes.

NM_015466.4(PTPN23):c.627+8C>T

Gene: PTPN23 (protein tyrosine phosphatase non-receptor type 23; plus strand). Cytogenetic location: 3p21.31.
Variant type: single nucleotide variant.
Coding change: c.627+8C>T on transcript NM_015466.4 (MANE Select); 8 bases into the intron after coding-DNA position 627, C replaced by T.
Molecular consequence: intron variant.
Genome position (GRCh38, 1-based): chr3:47,406,413, C>T. VCF-style: chr3-47406413-C-T. GRCh37 (hg19) VCF-style: chr3-47447903-C-T.
Other names: c.249+8C>T (NM_001304482.2).
Identifiers: ClinVar variation 1535714 (VCV001535714.33), dbSNP rs72911279, ClinGen allele CA2365401.